The following is an entry in ClinVar:

ClinVar aggregate classification (germline): Pathogenic (1 of 4 stars; one submission).

Conditions:
Intellectual developmental disorder with language impairment and early-onset DOPA-responsive dystonia-parkinsonism (IDLDP). Identifiers: Orphanet 660017, MedGen C5677001, MONDO:0859257, OMIM 619911.

Submission:

Center Lab, King Abdulaziz University
Classification: Pathogenic for Intellectual developmental disorder with language impairment and early-onset DOPA-responsive dystonia-parkinsonism. Last evaluated: 2024-08-26. Review status: criteria provided, single submitter. Criteria: ACMG Guidelines, 2015. Collection method: clinical testing. Allele origin: germline. Inheritance: Autosomal dominant inheritance. Affected: no. Observed: 1 homozygote.
Comment: The NM_006186.4(NR4A2):c.30_31insG(p.Ser11Valfs*33) variant causes a frameshift change involving the alteration of a non-conserved nucleotide. Loss of function variant, product does not undergo nonsense mediated mRNA decay. Variant located near the start codon (<100nt), not predicted to undergo nonsense mediated mRNA decay. There are 22 pathogenic variants in the truncated region. The variant got 10 ACMG points: 10P and 0B. Criteria applied: PVS1, PM6, PM2 (moderate).

Literature cited by the submitters: PubMed 38440907.

NM_006186.4(NR4A2):c.30_31insG (p.Ser11fs)

Gene: NR4A2 (nuclear receptor subfamily 4 group A member 2; minus strand). Cytogenetic location: 2q24.1.
Variant type: Insertion.
Coding change: c.30_31insG on transcript NM_006186.4 (MANE Select); coding-DNA positions 30 to 31, G inserted.
Protein change: p.Ser11fs; shifts the reading frame from serine 11.
Molecular consequence: frameshift variant. On other transcripts: intron variant (1).
Genome position: GRCh38 VCF-style: chr2-156330156-A-AC. GRCh37 (hg19) VCF-style: chr2-157186668-A-AC.
Other names: HZF-3; NOT; NURR1; RNR1; TINUR; c.-13-147_-13-146insG (NM_173173.3); short protein forms S11fs.
Identifiers: ClinVar variation 3338478 (VCV003338478.2).
Genomic context (GRCh38, chr2:156,330,156, plus strand): 5'-TGTATTCTCCCGAAGAGTGGTAACTGTAGCTCTGAGAAGCGGGGCTGGCTCCTTGAGGCG[A>AC]GGACCCATACTGCGCCTGAACACAAGGCATGGCTGGAAATGAAACAGGGTGATAACACAC-3'